The following is an entry in ClinVar:

NM_001035.3(RYR2):c.2204-4A>G

Gene: RYR2 (ryanodine receptor 2; plus strand). Cytogenetic location: 1q43.
Variant type: single nucleotide variant.
Coding change: c.2204-4A>G on transcript NM_001035.3 (MANE Select); 4 bases into the intron before coding-DNA position 2204, A replaced by G.
Molecular consequence: intron variant.
Genome position (GRCh38, 1-based): chr1:237,500,707, A>G. VCF-style: chr1-237500707-A-G. GRCh37 (hg19) VCF-style: chr1-237664007-A-G.
Identifiers: ClinVar variation 3373740 (VCV003373740.2).
Genomic context (GRCh38, chr1:237,500,707, plus strand): 5'-CTCTGAAGCTGATTCTCTGAGATAAAAAAATACATGACCTTCCTTAATGTTTTCCCCCCA[A>G]TAGGTTGTATTGCTCGTACTGTAAGCTCACCAAACCAACATCTGTTAAGAACTGATGATG-3'

ClinVar aggregate classification (germline): Uncertain significance. Review status: criteria provided, multiple submitters, no conflicts (2 of 4 stars). 2 submissions from 2 submitters: Uncertain significance (2). Last evaluated 2024-03-06.

gnomAD v4.1: 3 of 1,591,982 alleles (0.00019%); highest among the groups gnomAD compares: East Asian, 0.0022%; no homozygotes.

Submissions (2):

GeneDx
Classification: Uncertain significance. Last evaluated: 2024-03-06. Review status: criteria provided, single submitter. Criteria: GeneDx Variant Classification Process June 2021. Collection method: clinical testing. Allele origin: germline. Affected: yes.
Comment: Not observed at significant frequency in large population cohorts (gnomAD); In silico analysis supports a deleterious effect on splicing; Has not been previously published as pathogenic or benign to our knowledge

Blueprint Genetics
Classification: Uncertain significance. Last evaluated: 2022-09-26. Review status: criteria provided, single submitter. Criteria: ACMG Guidelines, 2015. Collection method: clinical testing. Allele origin: germline.